The following is an entry in ClinVar:

ClinVar aggregate classification (germline): Uncertain significance (1 of 4 stars; one submission).

Conditions:
Hereditary cancer-predisposing syndrome. Also called: Neoplastic Syndromes, Hereditary; Tumor predisposition; Hereditary Cancer Syndrome; Hereditary neoplastic syndrome. Identifiers: Orphanet 140162, MedGen C0027672, MeSH D009386, MONDO:0015356.

Submission:

Ambry Genetics
Classification: Uncertain significance for Hereditary cancer-predisposing syndrome. Last evaluated: 2021-12-03. Review status: criteria provided, single submitter. Criteria: Ambry Variant Classification Scheme 2023. Collection method: clinical testing. Allele origin: germline.
Comment: The p.S557R variant (also known as c.1669A>C), located in coding exon 5 of the AXIN2 gene, results from an A to C substitution at nucleotide position 1669. The serine at codon 557 is replaced by arginine, an amino acid with dissimilar properties. This amino acid position is conserved. In addition, this alteration is predicted to be tolerated by in silico analysis. Since supporting evidence is limited at this time, the clinical significance of this alteration remains unclear.

NM_004655.4(AXIN2):c.1669A>C (p.Ser557Arg)

Gene: AXIN2 (axin 2; minus strand). Cytogenetic location: 17q24.1.
Variant type: single nucleotide variant.
Coding change: c.1669A>C on transcript NM_004655.4 (MANE Select); coding-DNA position 1669, A replaced by C.
Protein change: p.Ser557Arg; replaces serine 557 with arginine.
Molecular consequence: missense variant.
Genome position (GRCh38, 1-based): chr17:65,537,367, T>G on the plus strand (A>C on the coding strand, the complement: AXIN2 is on the minus strand). VCF-style: chr17-65537367-T-G. GRCh37 (hg19) VCF-style: chr17-63533485-T-G.
Other names: c.1669A>C, p.Ser557Arg (NM_001363813.1); short protein forms S557R.
Identifiers: ClinVar variation 1777629 (VCV001777629.2), dbSNP rs2144456462, ClinGen allele CA400676877.